The following is an entry in ClinVar:

ClinVar aggregate classification (germline): Conflicting classifications of pathogenicity. Review status: criteria provided, conflicting classifications (1 of 4 stars). 3 submissions from 3 submitters: Uncertain significance (1); Likely benign (1). 1 of the submissions does not count toward it. Last evaluated 2024-10-22.

Conditions:
Renal carnitine transport defect (CDSP). Also called: Primary carnitine deficiency; CARNITINE DEFICIENCY, SYSTEMIC, DUE TO DEFECT IN RENAL REABSORPTION OF CARNITINE; CARNITINE TRANSPORTER, PLASMA-MEMBRANE, DEFICIENCY OF; CARNITINE UPTAKE DEFECT; Systemic primary carnitine deficiency disease; Carnitine transporter deficiency. Identifiers: Orphanet 158, MedGen C0342788, MONDO:0008919, OMIM 212140.

Allele frequency attached by ClinVar (database versions not stated): TOPMed below 0.00001; ExAC 0.00002; gnomAD exomes 0.00002.
gnomAD v4.1: 7 of 1,614,106 alleles (0.00043%); highest among the groups gnomAD compares: Admixed American, 0.012%; no homozygotes.

Submissions (3):

Labcorp Genetics (formerly Invitae), Labcorp
Classification: Uncertain significance for Renal carnitine transport defect. Last evaluated: 2024-10-22. Review status: criteria provided, single submitter. Criteria: Invitae Variant Classification Sherloc (09022015). Collection method: clinical testing. Allele origin: germline.
Comment: This sequence change replaces leucine, which is neutral and non-polar, with phenylalanine, which is neutral and non-polar, at codon 507 of the SLC22A5 protein (p.Leu507Phe). This variant is present in population databases (rs778716973, gnomAD 0.01%). This variant has not been reported in the literature in individuals affected with SLC22A5-related conditions. ClinVar contains an entry for this variant (Variation ID: 836693). Invitae Evidence Modeling of protein sequence and biophysical properties (such as structural, functional, and spatial information, amino acid conservation, physicochemical variation, residue mobility, and thermodynamic stability) has been performed for this missense variant. However, the output from this modeling did not meet the statistical confidence thresholds required to predict the impact of this variant on SLC22A5 protein function. This variant disrupts the p.Leu507 amino acid residue in SLC22A5. Other variant(s) that disrupt this residue have been determined to be pathogenic (PMID: 20574985, 28841266). This suggests that this residue is clinically significant, and that variants that disrupt this residue are likely to be disease-causing. In summary, the available evidence is currently insufficient to determine the role of this variant in disease. Therefore, it has been classified as a Variant of Uncertain Significance.

Giacomini Lab, University of California, San Francisco
Classification: Likely benign for Renal carnitine transport defect. Last evaluated: 2022-10-03. Review status: criteria provided, single submitter. Criteria: ACMG Guidelines, 2015. Collection method: research, in vitro. Allele origin: germline, not applicable.

Natera, Inc.
Classification: Uncertain significance for Primary systemic carnitine deficiency. Last evaluated: 2020-09-16. Review status: no assertion criteria provided. Collection method: clinical testing. Allele origin: germline. Not counted in ClinVar's aggregate classification.

Literature cited by the submitters: PubMed 20574985 (cited by Labcorp Genetics (formerly Invitae), Labcorp); PubMed 28841266 (cited by Labcorp Genetics (formerly Invitae), Labcorp).

NM_003060.4(SLC22A5):c.1521G>C (p.Leu507Phe)

Gene: SLC22A5 (solute carrier family 22 member 5; plus strand). Cytogenetic location: 5q31.1.
Variant type: single nucleotide variant.
Coding change: c.1521G>C on transcript NM_003060.4 (MANE Select); coding-DNA position 1521, G replaced by C.
Protein change: p.Leu507Phe; replaces leucine 507 with phenylalanine.
Molecular consequence: missense variant.
Genome position (GRCh38, 1-based): chr5:132,393,746, G>C. VCF-style: chr5-132393746-G-C. GRCh37 (hg19) VCF-style: chr5-131729438-G-C.
Other names: p.Leu507Phe; c.1593G>C, p.Leu531Phe (NM_001308122.2); short protein forms L507F, L531F.
Identifiers: ClinVar variation 836693 (VCV000836693.12), dbSNP rs778716973, ClinGen allele CA3404186.